The following is an entry in ClinVar:

ClinVar aggregate classification (germline): Uncertain significance (1 of 4 stars; one submission).

Allele frequency attached by ClinVar (database versions not stated): gnomAD exomes below 0.00001.
gnomAD v4.1: 1 of 1,614,228 alleles (0.000062%); highest among the groups gnomAD compares: South Asian, 0.0011%; no homozygotes.

Submission:

Labcorp Genetics (formerly Invitae), Labcorp
Classification: Uncertain significance. Last evaluated: 2020-05-21. Review status: criteria provided, single submitter. Criteria: Invitae Variant Classification Sherloc (09022015). Collection method: clinical testing. Allele origin: germline.
Comment: In summary, the available evidence is currently insufficient to determine the role of this variant in disease. Therefore, it has been classified as a Variant of Uncertain Significance. Algorithms developed to predict the effect of missense changes on protein structure and function (SIFT, PolyPhen-2, Align-GVGD) all suggest that this variant is likely to be disruptive, but these predictions have not been confirmed by published functional studies and their clinical significance is uncertain. This variant has not been reported in the literature in individuals with EFEMP1-related conditions. This variant is not present in population databases (ExAC no frequency). This sequence change replaces isoleucine with valine at codon 50 of the EFEMP1 protein (p.Ile50Val). The isoleucine residue is highly conserved and there is a small physicochemical difference between isoleucine and valine.

NM_001039348.3(EFEMP1):c.148A>G (p.Ile50Val)

Gene: EFEMP1 (EGF-like fibulin extracellular matrix protein 1; minus strand). Cytogenetic location: 2p16.1.
Variant type: single nucleotide variant.
Coding change: c.148A>G on transcript NM_001039348.3 (MANE Select); coding-DNA position 148, A replaced by G.
Protein change: p.Ile50Val; replaces isoleucine 50 with valine.
Molecular consequence: missense variant.
Genome position (GRCh38, 1-based): chr2:55,918,034, T>C on the plus strand (A>G on the coding strand, the complement: EFEMP1 is on the minus strand). VCF-style: chr2-55918034-T-C. GRCh37 (hg19) VCF-style: chr2-56145169-T-C.
Other names: c.148A>G, p.Ile50Val (NM_001039349.3); short protein forms I50V.
Identifiers: ClinVar variation 1046805 (VCV001046805.8), dbSNP rs1233651031, ClinGen allele CA347027090.